The following is an entry in ClinVar:

NM_005477.3(HCN4):c.82G>A (p.Glu28Lys)

Gene: HCN4 (hyperpolarization activated cyclic nucleotide gated potassium channel 4; minus strand). Cytogenetic location: 15q24.1.
Variant type: single nucleotide variant.
Coding change: c.82G>A on transcript NM_005477.3 (MANE Select); coding-DNA position 82, G replaced by A.
Protein change: p.Glu28Lys; replaces glutamic acid 28 with lysine.
Molecular consequence: missense variant.
Genome position (GRCh38, 1-based): chr15:73,368,189, C>T on the plus strand (G>A on the coding strand, the complement: HCN4 is on the minus strand). VCF-style: chr15-73368189-C-T. GRCh37 (hg19) VCF-style: chr15-73660530-C-T.
Other names: short protein forms E28K.
Identifiers: ClinVar variation 470675 (VCV000470675.9), dbSNP rs867068803, ClinGen allele CA393099092.

ClinVar aggregate classification (germline): Uncertain significance. Review status: criteria provided, multiple submitters, no conflicts (2 of 4 stars). 2 submissions from 2 submitters: Uncertain significance (2). Last evaluated 2023-03-24.

Conditions:
HCN4-related disorder. Also called: HCN4-related condition.
Brugada syndrome 8 (BRGDA8). Identifiers: Orphanet 130, MedGen C2751083, MONDO:0013148, OMIM 613123.

Submissions (2):

PreventionGenetics, part of Exact Sciences
Classification: Uncertain significance for HCN4-related condition. Last evaluated: 2023-03-24. Review status: criteria provided, single submitter. Criteria: ACMG Guidelines, 2015. Collection method: clinical testing. Allele origin: germline.
Comment: The HCN4 c.82G>A variant is predicted to result in the amino acid substitution p.Glu28Lys. To our knowledge, this variant has not been reported in the literature or in a large population database, indicating this variant is rare. At this time, the clinical significance of this variant is uncertain due to the absence of conclusive functional and genetic evidence.

Labcorp Genetics (formerly Invitae), Labcorp
Classification: Uncertain significance for Brugada syndrome 8. Last evaluated: 2017-07-10. Review status: criteria provided, single submitter. Criteria: Invitae Variant Classification Sherloc (09022015). Collection method: clinical testing. Allele origin: germline.
Comment: In summary, this variant has uncertain impact on HCN4 function. The available evidence is currently insufficient to determine its role in disease. Therefore, it has been classified as a Variant of Uncertain Significance. Algorithms developed to predict the effect of missense changes on protein structure and function do not agree on the potential impact of this missense change (SIFT: "Deleterious"; PolyPhen-2: "Probably damaging"; Align-GVGD: "Class C0"). This variant has not been reported in the literature in individuals with a HCN4-related disease. While this variant is not present in population databases, the frequency information is unreliable, as metrics indicate poor data quality at this position in the ExAC database. This sequence change replaces glutamic acid with lysine at codon 28 of the HCN4 protein (p.Glu28Lys). The glutamic acid residue is moderately conserved and there is a small physicochemical difference between glutamic acid and lysine.